The following is an entry in ClinVar:

ClinVar aggregate classification (germline): Uncertain significance (1 of 4 stars; one submission).

Submission:

GeneDx
Classification: Uncertain significance. Last evaluated: 2024-03-17. Review status: criteria provided, single submitter. Criteria: GeneDx Variant Classification Process June 2021. Collection method: clinical testing. Allele origin: germline. Affected: yes.
Comment: Not observed at significant frequency in large population cohorts (gnomAD); In silico analysis supports that this missense variant does not alter protein structure/function; Has not been previously published as pathogenic or benign to our knowledge

NM_015215.4(CAMTA1):c.1706T>A (p.Leu569Gln)

Gene: CAMTA1 (calmodulin binding transcription activator 1; plus strand). Cytogenetic location: 1p36.23.
Variant type: single nucleotide variant.
Coding change: c.1706T>A on transcript NM_015215.4 (MANE Select); coding-DNA position 1706, T replaced by A.
Protein change: p.Leu569Gln; replaces leucine 569 with glutamine.
Molecular consequence: missense variant.
Genome position (GRCh38, 1-based): chr1:7,664,253, T>A. VCF-style: chr1-7664253-T-A. GRCh37 (hg19) VCF-style: chr1-7724313-T-A.
Other names: c.1616T>A, p.Leu539Gln (NM_001349608.2, NM_001349612.2); c.1706T>A, p.Leu569Gln (NM_001349609.2, NM_001349610.2, NM_001410737.1); c.1634T>A, p.Leu545Gln (NM_001410738.1); short protein forms L539Q, L545Q, L569Q.
Identifiers: ClinVar variation 3373652 (VCV003373652.1).